The following is an entry in ClinVar:

NM_004364.5(CEBPA):c.306C>A (p.Gly102=)

Gene: CEBPA (CCAAT enhancer binding protein alpha; minus strand). Cytogenetic location: 19q13.11.
Variant type: single nucleotide variant.
Coding change: c.306C>A on transcript NM_004364.5 (MANE Select); coding-DNA position 306, C replaced by A.
Protein change: p.Gly102=; no amino-acid change (glycine 102 retained).
Molecular consequence: synonymous variant. On other transcripts: 5 prime UTR variant (1).
Genome position (GRCh38, 1-based): chr19:33,302,109, G>T on the plus strand (C>A on the coding strand, the complement: CEBPA is on the minus strand). VCF-style: chr19-33302109-G-T. GRCh37 (hg19) VCF-style: chr19-33793015-G-T.
Other names: c.-52C>A (NM_001285829.2); c.411C>A, p.Gly137= (NM_001287424.2); c.264C>A, p.Gly88= (NM_001287435.2).
Identifiers: ClinVar variation 3489907 (VCV003489907.3).

ClinVar aggregate classification (germline): Conflicting classifications of pathogenicity. Review status: criteria provided, conflicting classifications (1 of 4 stars). 2 submissions from 2 submitters: Uncertain significance (1); Likely benign (1). Last evaluated 2024-08-21.

Conditions:
Inborn genetic diseases. Identifiers: MedGen C0950123, MeSH D030342.
Acute myeloid leukemia (AML). Also called: Acute myeloid leukemia, adult; AML adult; Acute non-lymphocytic leukemia; Acute granulocytic leukemia; Leukemia, acute myeloid, somatic; Leukemia, acute myelogenous, somatic. Identifiers: Orphanet 519, MedGen C0023467, MeSH D015470, MONDO:0018874, OMIM 601626, HP:0004808. Disease mechanism: Constitutively activated FLT3.

Submissions (2):

Ambry Genetics
Classification: Likely benign for Inborn genetic diseases. Last evaluated: 2024-08-21. Review status: criteria provided, single submitter. Criteria: Ambry Variant Classification Scheme 2023. Collection method: clinical testing. Allele origin: germline.

Labcorp Genetics (formerly Invitae), Labcorp
Classification: Uncertain significance for Acute myeloid leukemia. Last evaluated: 2024-07-30. Review status: criteria provided, single submitter. Criteria: Invitae Variant Classification Sherloc (09022015). Collection method: clinical testing. Allele origin: germline.
Comment: This sequence change affects codon 102 of the CEBPA mRNA. It is a 'silent' change, meaning that it does not change the encoded amino acid sequence of the CEBPA protein. This variant is present in population databases (no rsID available, gnomAD 0.03%). This variant has not been reported in the literature in individuals affected with CEBPA-related conditions. In summary, the available evidence is currently insufficient to determine the role of this variant in disease. Therefore, it has been classified as a Variant of Uncertain Significance.